The following is an entry in ClinVar:

NM_002907.4(RECQL):c.263A>G (p.Lys88Arg)

Gene: RECQL (RecQ like helicase; minus strand). Cytogenetic location: 12p12.1.
Variant type: single nucleotide variant.
Coding change: c.263A>G on transcript NM_002907.4 (MANE Select); coding-DNA position 263, A replaced by G.
Protein change: p.Lys88Arg; replaces lysine 88 with arginine.
Molecular consequence: missense variant.
Genome position (GRCh38, 1-based): chr12:21,490,330, T>C on the plus strand (A>G on the coding strand, the complement: RECQL is on the minus strand). VCF-style: chr12-21490330-T-C. GRCh37 (hg19) VCF-style: chr12-21643264-T-C.
Other names: c.263A>G, p.Lys88Arg (NM_032941.3); short protein forms K88R.
Identifiers: ClinVar variation 1794162 (VCV001794162.3), dbSNP rs2540400302, ClinGen allele CA384133303.

ClinVar aggregate classification (germline): Uncertain significance (1 of 4 stars; one submission).

Submission:

Ambry Genetics
Classification: Uncertain significance. Last evaluated: 2025-09-16. Review status: criteria provided, single submitter. Criteria: Ambry Variant Classification Scheme 2023. Collection method: clinical testing. Allele origin: germline.
Comment: The p.K88R variant (also known as c.263A>G), located in coding exon 3 of the RECQL gene, results from an A to G substitution at nucleotide position 263. The lysine at codon 88 is replaced by arginine, an amino acid with highly similar properties. This amino acid position is not well conserved in available vertebrate species. In addition, this alteration is predicted to be tolerated by in silico analysis. Since supporting evidence is limited at this time, the clinical significance of this alteration remains unclear.